The following is an entry in ClinVar:

NM_004304.5(ALK):c.1580C>G (p.Pro527Arg)

Gene: ALK (ALK receptor tyrosine kinase; minus strand). Cytogenetic location: 2p23.2.
Variant type: single nucleotide variant.
Coding change: c.1580C>G on transcript NM_004304.5 (MANE Select); coding-DNA position 1580, C replaced by G.
Protein change: p.Pro527Arg; replaces proline 527 with arginine.
Molecular consequence: missense variant.
Genome position (GRCh38, 1-based): chr2:29,318,371, G>C on the plus strand (C>G on the coding strand, the complement: ALK is on the minus strand). VCF-style: chr2-29318371-G-C. GRCh37 (hg19) VCF-style: chr2-29541237-G-C.
Other names: short protein forms P527R.
Identifiers: ClinVar variation 651636 (VCV000651636.12), dbSNP rs781414872, ClinGen allele CA1594600.
Genomic context (GRCh38, chr2:29,318,371, plus strand): 5'-GGAGAGCTCTTGATCGGTGCAGGAAACGTAGCACTGGTCACTGTAGCACTTTCAGAAGCG[G>C]GGACATCAGTGGTACTGAGCAATAGAGCATGGTCTAGGAGAGAGGAAAAGAATCACAAGC-3'
Protein context (NP_004295.2, residues 517-537): HALLLSTTDV[Pro527Arg]ASESATVTSA

ClinVar aggregate classification (germline): Uncertain significance. Review status: criteria provided, multiple submitters, no conflicts (2 of 4 stars). 3 submissions from 3 submitters: Uncertain significance (3). Last evaluated 2026-01-27.

Conditions:
Hereditary cancer-predisposing syndrome. Also called: Hereditary Cancer Syndrome; Tumor predisposition; Neoplastic Syndromes, Hereditary; Hereditary neoplastic syndrome. Identifiers: Orphanet 140162, MedGen C0027672, MeSH D009386, MONDO:0015356.
Neuroblastoma, susceptibility to, 3. Also called: ALK-Related Neuroblastic Tumor Susceptibility. Identifiers: Orphanet 635, MedGen C2751681, MONDO:0013083, OMIM 613014.

Allele frequency attached by ClinVar (database versions not stated): gnomAD exomes 0.00002 and 0.00001; ExAC 0.00002.
gnomAD v4.1: 12 of 1,613,958 alleles (0.00074%); highest among the groups gnomAD compares: South Asian, 0.012%; 1 homozygote.

Submissions (3):

Labcorp Genetics (formerly Invitae), Labcorp
Classification: Uncertain significance for Neuroblastoma, susceptibility to, 3. Last evaluated: 2026-01-27. Review status: criteria provided, single submitter. Criteria: Invitae Variant Classification Sherloc (09022015). Collection method: clinical testing. Allele origin: germline.
Comment: This sequence change replaces proline, which is neutral and non-polar, with arginine, which is basic and polar, at codon 527 of the ALK protein (p.Pro527Arg). This variant is present in population databases (rs781414872, gnomAD 0.02%). This variant has not been reported in the literature in individuals affected with ALK-related conditions. ClinVar contains an entry for this variant (Variation ID: 651636). An algorithm developed to predict the effect of missense changes on protein structure and function (PolyPhen-2) suggests that this variant is likely to be disruptive. In summary, the available evidence is currently insufficient to determine the role of this variant in disease. Therefore, it has been classified as a Variant of Uncertain Significance.

Ambry Genetics
Classification: Uncertain significance for Hereditary cancer-predisposing syndrome. Last evaluated: 2025-12-14. Review status: criteria provided, single submitter. Criteria: Ambry Variant Classification Scheme 2023. Collection method: clinical testing. Allele origin: germline.
Comment: The p.P527R variant (also known as c.1580C>G), located in coding exon 8 of the ALK gene, results from a C to G substitution at nucleotide position 1580. The proline at codon 527 is replaced by arginine, an amino acid with dissimilar properties. This amino acid position is conserved. In addition, this alteration is predicted to be tolerated by in silico analysis. Based on the available evidence, the clinical significance of this variant remains unclear.

Baylor Genetics
Classification: Uncertain significance for Neuroblastoma, susceptibility to, 3. Last evaluated: 2023-07-11. Review status: criteria provided, single submitter. Criteria: ACMG Guidelines, 2015. Collection method: clinical testing. Allele origin: unknown.